The following is an entry in ClinVar:

NM_001330700.2(TOP2B):c.388A>G (p.Ile130Val)

Gene: TOP2B (DNA topoisomerase II beta; minus strand). Cytogenetic location: 3p24.2.
Variant type: single nucleotide variant.
Coding change: c.388A>G on transcript NM_001330700.2 (MANE Select); coding-DNA position 388, A replaced by G.
Protein change: p.Ile130Val; replaces isoleucine 130 with valine.
Molecular consequence: missense variant.
Genome position (GRCh38, 1-based): chr3:25,642,329, T>C on the plus strand (A>G on the coding strand, the complement: TOP2B is on the minus strand). VCF-style: chr3-25642329-T-C. GRCh37 (hg19) VCF-style: chr3-25683820-T-C.
Other names: c.373A>G, p.Ile125Val (NM_001068.3); c.373A>G (NM_001068.2); short protein forms I125V, I130V.
Identifiers: ClinVar variation 1398723 (VCV001398723.9), dbSNP rs553516268, ClinGen allele CA71664102.

ClinVar aggregate classification (germline): Uncertain significance. Review status: criteria provided, multiple submitters, no conflicts (2 of 4 stars). 2 submissions from 2 submitters: Uncertain significance (2). Last evaluated 2023-03-01.

Allele frequency attached by ClinVar (database versions not stated): gnomAD exomes below 0.00001; TOPMed below 0.00001; gnomAD 0.00001; 1000 Genomes Project 0.00020; 1000 Genomes Project 30x 0.00031.
gnomAD v4.1: 3 of 1,540,402 alleles (0.00019%); highest among the groups gnomAD compares: East Asian, 0.0024%; no homozygotes.

Submissions (2):

Ambry Genetics
Classification: Uncertain significance. Last evaluated: 2023-03-01. Review status: criteria provided, single submitter. Criteria: Ambry Variant Classification Scheme 2023. Collection method: clinical testing. Allele origin: germline.

Labcorp Genetics (formerly Invitae), Labcorp
Classification: Uncertain significance. Last evaluated: 2021-04-14. Review status: criteria provided, single submitter. Criteria: Invitae Variant Classification Sherloc (09022015). Collection method: clinical testing. Allele origin: germline.
Comment: Algorithms developed to predict the effect of missense changes on protein structure and function are either unavailable or do not agree on the potential impact of this missense change (SIFT: "Deleterious"; PolyPhen-2: "Benign"; Align-GVGD: "Class C0"). This variant has not been reported in the literature in individuals with TOP2B-related conditions. This variant is not present in population databases (ExAC no frequency). This sequence change replaces isoleucine with valine at codon 125 of the TOP2B protein (p.Ile125Val). The isoleucine residue is highly conserved and there is a small physicochemical difference between isoleucine and valine. In summary, the available evidence is currently insufficient to determine the role of this variant in disease. Therefore, it has been classified as a Variant of Uncertain Significance.